The following is an entry in ClinVar:

ClinVar aggregate classification (germline): Likely benign (1 of 4 stars; one submission).

Conditions:
PLXNA1-related disorder. Also called: PLXNA1-related condition.

Submission:

PreventionGenetics, part of Exact Sciences
Classification: Likely benign for PLXNA1-related condition. Last evaluated: 2025-01-29. Review status: criteria provided, single submitter. Criteria: ACMG Guidelines, 2015. Collection method: clinical testing. Allele origin: germline.
Comment: This variant is classified as likely benign based on ACMG/AMP sequence variant interpretation guidelines (Richards et al. 2015 PMID: 25741868, with internal and published modifications).

NM_032242.4(PLXNA1):c.3516+5G>T

Gene: PLXNA1 (plexin A1; plus strand). Cytogenetic location: 3q21.3.
Variant type: single nucleotide variant.
Coding change: c.3516+5G>T on transcript NM_032242.4 (MANE Select); 5 bases into the intron after coding-DNA position 3516, G replaced by T.
Molecular consequence: intron variant.
Genome position (GRCh38, 1-based): chr3:127,017,669, G>T. VCF-style: chr3-127017669-G-T. GRCh37 (hg19) VCF-style: chr3-126736512-G-T.
Identifiers: ClinVar variation 5001530 (VCV005001530.1).
Genomic context (GRCh38, chr3:127,017,669, plus strand): 5'-CACTCAGCCCCACTGGCCTGCTGGAGCTGAAGCCCAGCTCCCCACTCATCCTCAAGGTGG[G>T]TCACCATTGCCCGTAGGCTGGGCCAAGCCAGGGAAGAGGCCCCTCGTCCTGGGCTCTGGC-3'